The following is an entry in ClinVar:

ClinVar aggregate classification (germline): Uncertain significance (1 of 4 stars; one submission).

Conditions:
Intellectual disability, autosomal recessive 42 (NEDDSBA). Also called: GLYCOSYLPHOSPHATIDYLINOSITOL BIOSYNTHESIS DEFECT 9; Neurodevelopmental disorder with dysmorphic features, spasticity, and brain abnormalities. Identifiers: Orphanet 88616, MedGen C4014343, MONDO:0014348, OMIM 615802.

Submission:

Labcorp Genetics (formerly Invitae), Labcorp
Classification: Uncertain significance for Intellectual disability, autosomal recessive 42. Last evaluated: 2022-03-16. Review status: criteria provided, single submitter. Criteria: Invitae Variant Classification Sherloc (09022015). Collection method: clinical testing. Allele origin: germline.
Comment: Information on the frequency of this variant in the gnomAD database is not available, as this variant may be reported differently in the database. In summary, the available evidence is currently insufficient to determine the role of this variant in disease. Therefore, it has been classified as a Variant of Uncertain Significance. Algorithms developed to predict the effect of missense changes on protein structure and function are either unavailable or do not agree on the potential impact of this missense change (SIFT: "Not Available"; PolyPhen-2: "Possibly Damaging"; Align-GVGD: "Not Available"). This variant has not been reported in the literature in individuals affected with PGAP1-related conditions. This sequence change replaces valine, which is neutral and non-polar, with threonine, which is neutral and polar, at codon 6 of the PGAP1 protein (p.Val6Thr).

NM_024989.4(PGAP1):c.16_17inv (p.Val6Thr)

Gene: PGAP1 (post-GPI attachment to proteins inositol deacylase 1; minus strand). Cytogenetic location: 2q33.1.
Variant type: Inversion.
Coding change: c.16_17inv on transcript NM_024989.4 (MANE Select).
Protein change: p.Val6Thr; replaces valine 6 with threonine.
Molecular consequence: missense variant. On other transcripts: 5 prime UTR variant (2).
Genome position: GRCh38 VCF-style: chr2-196926600-AC-GT. GRCh37 (hg19) VCF-style: chr2-197791324-AC-GT.
Other names: c.-591_-590inv (NM_001321099.2); c.-1096_-1095inv (NM_001321100.2); short protein forms V6T.
Identifiers: ClinVar variation 1980389 (VCV001980389.4), ClinGen allele CA2580065383.